The following is an entry in ClinVar:

NM_031935.3(HMCN1):c.13093G>C (p.Gly4365Arg)

Gene: HMCN1 (hemicentin 1; plus strand). Cytogenetic location: 1q31.1.
Variant type: single nucleotide variant.
Coding change: c.13093G>C on transcript NM_031935.3 (MANE Select); coding-DNA position 13093, G replaced by C.
Protein change: p.Gly4365Arg; replaces glycine 4365 with arginine.
Molecular consequence: missense variant.
Genome position (GRCh38, 1-based): chr1:186,130,560, G>C. VCF-style: chr1-186130560-G-C. GRCh37 (hg19) VCF-style: chr1-186099692-G-C.
Other names: short protein forms G4365R.
Identifiers: ClinVar variation 2463097 (VCV002463097.5), dbSNP rs758519039, ClinGen allele CA1294544.
Genomic context (GRCh38, chr1:186,130,560, plus strand): 5'-TTTCCAGAACCTCCAGTCTTCAAAGGTGATTATCCTTCTAACTGGATTGAACCACTTGGT[G>C]GGAATGCAATCCTGAATTGTGAGGTGAAAGGAGACCCCACCCCAACCATCCAGTGGAACA-3'
Protein context (NP_114141.2, residues 4355-4375): YPSNWIEPLG[Gly4365Arg]NAILNCEVKG

ClinVar aggregate classification (germline): Uncertain significance. Review status: criteria provided, multiple submitters, no conflicts (2 of 4 stars). 2 submissions from 2 submitters: Uncertain significance (2). Last evaluated 2023-02-15.

Allele frequency attached by ClinVar (database versions not stated): ExAC 0.00001.
gnomAD v4.1: 3 of 1,613,560 alleles (0.00019%); highest among the groups gnomAD compares: Admixed American, 0.005%; no homozygotes.

Submissions (2):

Ambry Genetics
Classification: Uncertain significance. Last evaluated: 2023-02-15. Review status: criteria provided, single submitter. Criteria: Ambry Variant Classification Scheme 2023. Collection method: clinical testing. Allele origin: germline.

Labcorp Genetics (formerly Invitae), Labcorp
Classification: Uncertain significance. Last evaluated: 2023-01-26. Review status: criteria provided, single submitter. Criteria: Invitae Variant Classification Sherloc (09022015). Collection method: clinical testing. Allele origin: germline.
Comment: This sequence change replaces glycine, which is neutral and non-polar, with arginine, which is basic and polar, at codon 4365 of the HMCN1 protein (p.Gly4365Arg). In summary, the available evidence is currently insufficient to determine the role of this variant in disease. Therefore, it has been classified as a Variant of Uncertain Significance. Algorithms developed to predict the effect of missense changes on protein structure and function (SIFT, PolyPhen-2, Align-GVGD) all suggest that this variant is likely to be disruptive. This variant has not been reported in the literature in individuals affected with HMCN1-related conditions. This variant is present in population databases (rs758519039, gnomAD 0.009%).